The following is an entry in ClinVar:

NM_016148.5(SHANK1):c.4886G>T (p.Ser1629Ile)

Gene: SHANK1 (SH3 and multiple ankyrin repeat domains 1; minus strand). Cytogenetic location: 19q13.33.
Variant type: single nucleotide variant.
Coding change: c.4886G>T on transcript NM_016148.5 (MANE Select); coding-DNA position 4886, G replaced by T.
Protein change: p.Ser1629Ile; replaces serine 1629 with isoleucine.
Molecular consequence: missense variant.
Genome position (GRCh38, 1-based): chr19:50,667,074, C>A on the plus strand (G>T on the coding strand, the complement: SHANK1 is on the minus strand). VCF-style: chr19-50667074-C-A. GRCh37 (hg19) VCF-style: chr19-51170331-C-A.
Other names: short protein forms S1629I.
Identifiers: ClinVar variation 2442491 (VCV002442491.1), dbSNP rs1371205482, ClinGen allele CA407012841.

ClinVar aggregate classification (germline): Uncertain significance (1 of 4 stars; one submission).

Submission:

GeneDx
Classification: Uncertain significance. Last evaluated: 2022-08-30. Review status: criteria provided, single submitter. Criteria: GeneDx Variant Classification Process June 2021. Collection method: clinical testing. Allele origin: germline. Affected: yes.
Comment: Not observed at significant frequency in large population cohorts (gnomAD); In silico analysis supports that this missense variant has a deleterious effect on protein structure/function; Has not been previously published as pathogenic or benign to our knowledge